The following is an entry in ClinVar:

NM_000111.3(SLC26A3):c.427G>C (p.Gly143Arg)

Gene: SLC26A3 (solute carrier family 26 member 3; minus strand). Cytogenetic location: 7q22.3.
Variant type: single nucleotide variant.
Coding change: c.427G>C on transcript NM_000111.3 (MANE Select); coding-DNA position 427, G replaced by C.
Protein change: p.Gly143Arg; replaces glycine 143 with arginine.
Molecular consequence: missense variant.
Genome position (GRCh38, 1-based): chr7:107,791,191, C>G on the plus strand (G>C on the coding strand, the complement: SLC26A3 is on the minus strand). VCF-style: chr7-107791191-C-G. GRCh37 (hg19) VCF-style: chr7-107431636-C-G.
Other names: short protein forms G143R.
Identifiers: ClinVar variation 1465558 (VCV001465558.8), dbSNP rs2115874193, ClinGen allele CA368853709.

ClinVar aggregate classification (germline): Uncertain significance (1 of 4 stars; one submission).

Submission:

Labcorp Genetics (formerly Invitae), Labcorp
Classification: Uncertain significance. Last evaluated: 2021-05-16. Review status: criteria provided, single submitter. Criteria: Invitae Variant Classification Sherloc (09022015). Collection method: clinical testing. Allele origin: germline.
Comment: Advanced modeling of protein sequence and biophysical properties (such as structural, functional, and spatial information, amino acid conservation, physicochemical variation, residue mobility, and thermodynamic stability) performed at Invitae indicates that this missense variant is not expected to disrupt SLC26A3 protein function. In summary, the available evidence is currently insufficient to determine the role of this variant in disease. Therefore, it has been classified as a Variant of Uncertain Significance. This variant has not been reported in the literature in individuals with SLC26A3-related conditions. This sequence change replaces glycine with arginine at codon 143 of the SLC26A3 protein (p.Gly143Arg). The glycine residue is weakly conserved and there is a moderate physicochemical difference between glycine and arginine. This variant is not present in population databases (ExAC no frequency).